The following is an entry in ClinVar:

NM_001305581.2(LRMDA):c.655A>G (p.Arg219Gly)

Gene: LRMDA (leucine rich melanocyte differentiation associated; plus strand). Cytogenetic location: 10q22.3.
Variant type: single nucleotide variant.
Coding change: c.655A>G on transcript NM_001305581.2 (MANE Select); coding-DNA position 655, A replaced by G.
Protein change: p.Arg219Gly; replaces arginine 219 with glycine.
Molecular consequence: missense variant. On other transcripts: non-coding transcript variant (1).
Genome position (GRCh38, 1-based): chr10:76,557,262, A>G. VCF-style: chr10-76557262-A-G. GRCh37 (hg19) VCF-style: chr10-78317020-A-G.
Other names: c.571A>G, p.Arg191Gly (NM_032024.5); short protein forms R219G, R191G.
Identifiers: ClinVar variation 2128388 (VCV002128388.4), dbSNP rs2547635083, ClinGen allele CA377401915.

ClinVar aggregate classification (germline): Uncertain significance (1 of 4 stars; one submission).

Submission:

Labcorp Genetics (formerly Invitae), Labcorp
Classification: Uncertain significance. Last evaluated: 2024-10-24. Review status: criteria provided, single submitter. Criteria: Invitae Variant Classification Sherloc (09022015). Collection method: clinical testing. Allele origin: germline.
Comment: This sequence change replaces arginine, which is basic and polar, with glycine, which is neutral and non-polar, at codon 191 of the C10orf11 protein (p.Arg191Gly). This variant is not present in population databases (gnomAD no frequency). This variant has not been reported in the literature in individuals affected with C10orf11-related conditions. ClinVar contains an entry for this variant (Variation ID: 2128388). An algorithm developed to predict the effect of missense changes on protein structure and function (PolyPhen-2) suggests that this variant is likely to be disruptive. In summary, the available evidence is currently insufficient to determine the role of this variant in disease. Therefore, it has been classified as a Variant of Uncertain Significance.